The following is an entry in ClinVar:

ClinVar aggregate classification (germline): Uncertain significance (1 of 4 stars; one submission).

Conditions:
Fetal akinesia deformation sequence 1 (FADS1). Also called: Fetal akinesia sequence; Pena-Shokeir syndrome type I. Identifiers: Orphanet 994, MedGen C1276035, MONDO:0100101, OMIM 208150, HP:0001989.
Congenital myasthenic syndrome 10. Also called: Myasthenia, limb-girdle, familial. Identifiers: Orphanet 590, MedGen C1850792, MONDO:0009690, OMIM 254300.

Allele frequency attached by ClinVar (database versions not stated): TOPMed 0.00002.

Submission:

Labcorp Genetics (formerly Invitae), Labcorp
Classification: Uncertain significance for Congenital myasthenic syndrome 10; Fetal akinesia deformation sequence 1. Last evaluated: 2019-02-20. Review status: criteria provided, single submitter. Criteria: Invitae Variant Classification Sherloc (09022015). Collection method: clinical testing. Allele origin: germline.
Comment: In summary, the available evidence is currently insufficient to determine the role of this variant in disease. Therefore, it has been classified as a Variant of Uncertain Significance. This variant disrupts the p.Ala33 amino acid residue in DOK7. Other variant(s) that disrupt this residue have been observed in individuals with DOK7-related conditions (PMID: 29054425, 17439981), which suggests that this may be a clinically significant amino acid residue. Algorithms developed to predict the effect of missense changes on protein structure and function are either unavailable or do not agree on the potential impact of this missense change (SIFT: "Deleterious"; PolyPhen-2: "Benign"; Align-GVGD: "Class C0"). This variant has not been reported in the literature in individuals with DOK7-related conditions. The frequency data for this variant in the population databases is considered unreliable, as metrics indicate insufficient coverage at this position in the ExAC database. This sequence change replaces alanine with threonine at codon 33 of the DOK7 protein (p.Ala33Thr). The alanine residue is weakly conserved and there is a small physicochemical difference between alanine and threonine.

Literature cited by the submitters: PubMed 29054425; PubMed 17439981.

NM_173660.5(DOK7):c.97G>A (p.Ala33Thr)

Gene: DOK7 (docking protein 7; plus strand). Cytogenetic location: 4p16.3.
Variant type: single nucleotide variant.
Coding change: c.97G>A on transcript NM_173660.5 (MANE Select); coding-DNA position 97, G replaced by A.
Protein change: p.Ala33Thr; replaces alanine 33 with threonine.
Molecular consequence: missense variant.
Genome position (GRCh38, 1-based): chr4:3,463,548, G>A. VCF-style: chr4-3463548-G-A. GRCh37 (hg19) VCF-style: chr4-3465275-G-A.
Other names: c.97G>A, p.Ala33Thr (NM_001164673.2, NM_001301071.2, NM_001363811.2); short protein forms A33T.
Identifiers: ClinVar variation 653280 (VCV000653280.11), dbSNP rs1425852835, ClinGen allele CA356112175.